The following is an entry in ClinVar:

NM_000548.5(TSC2):c.5377C>T (p.Arg1793Trp)

Gene: TSC2 (TSC complex subunit 2; plus strand). Cytogenetic location: 16p13.3.
Variant type: single nucleotide variant.
Coding change: c.5377C>T on transcript NM_000548.5 (MANE Select); coding-DNA position 5377, C replaced by T.
Protein change: p.Arg1793Trp; replaces arginine 1793 with tryptophan.
Molecular consequence: missense variant.
Genome position (GRCh38, 1-based): chr16:2,088,563, C>T. VCF-style: chr16-2088563-C-T. GRCh37 (hg19) VCF-style: chr16-2138564-C-T.
Other names: c.5176C>T, p.Arg1726Trp (NM_001077183.3); c.5308C>T, p.Arg1770Trp (NM_001114382.3); c.5068C>T, p.Arg1690Trp (NM_001318827.2); c.5032C>T, p.Arg1678Trp (NM_001318829.2); c.4645C>T, p.Arg1549Trp (NM_001318831.2); c.5209C>T, p.Arg1737Trp (NM_001318832.2); c.5179C>T, p.Arg1727Trp (NM_001363528.2); c.5245C>T, p.Arg1749Trp (NM_001370404.1); and 2 more; short protein forms R1793W, R1549W, R1690W, R1770W, R1746W, R1678W, R1726W, R1727W.
Identifiers: ClinVar variation 860324 (VCV000860324.17), dbSNP rs1473538868, ClinGen allele CA394315971.

ClinVar aggregate classification (germline): Conflicting classifications of pathogenicity. Review status: criteria provided, conflicting classifications (1 of 4 stars). 5 submissions from 5 submitters: Uncertain significance (3); Benign (1); Likely benign (1). Last evaluated 2026-07-14.

Conditions:
Tuberous sclerosis 2 (TSC2). Identifiers: Orphanet 805, MedGen C1860707, MONDO:0013199, OMIM 613254.
Hereditary cancer-predisposing syndrome. Also called: Tumor predisposition; Hereditary neoplastic syndrome; Neoplastic Syndromes, Hereditary; Hereditary Cancer Syndrome. Identifiers: Orphanet 140162, MedGen C0027672, MeSH D009386, MONDO:0015356.

Allele frequency attached by ClinVar (database versions not stated): gnomAD exomes 0.00001; TOPMed 0.00001.

Submissions (5):

Ambry Genetics
Classification: Uncertain significance for Hereditary cancer-predisposing syndrome. Last evaluated: 2026-07-14. Review status: criteria provided, single submitter. Criteria: Ambry Variant Classification Scheme 2023. Collection method: clinical testing. Allele origin: germline.
Comment: The p.R1793W variant (also known as c.5377C>T), located in coding exon 41 of the TSC2 gene, results from a C to T substitution at nucleotide position 5377. The arginine at codon 1793 is replaced by tryptophan, an amino acid with dissimilar properties. This amino acid position is highly conserved in available vertebrate species. In addition, this alteration is predicted to be deleterious by in silico analysis. Based on the available evidence, the clinical significance of this variant remains unclear.

Centre for Medical Genetics,  Mumbai
Classification: Likely benign for Tuberous sclerosis 2. Last evaluated: 2026-04-27. Review status: criteria provided, single submitter. Criteria: ACMG Guidelines, 2015. Collection method: provider interpretation. Allele origin: germline. Inheritance: Autosomal dominant inheritance. Affected: no. Observed: 1 variant allele, 1 heterozygote.
Comment: The variant satisfies PM2 criteria - extremely low frequency in gnomAD population databases. The variant satisfies PP3 criteria - for a missense or a splicing region variant, computational prediction tools unanimously support a deleterious effect on the gene. However, the variant satisfies BS2 criteria - present in heterozygous state in an individual that clinically does not have Tuberous sclerosis-2.

Labcorp Genetics (formerly Invitae), Labcorp
Classification: Benign for Tuberous sclerosis 2. Last evaluated: 2025-08-11. Review status: criteria provided, single submitter. Criteria: Invitae Variant Classification Sherloc (09022015). Collection method: clinical testing. Allele origin: germline.

GeneDx
Classification: Uncertain significance. Last evaluated: 2022-10-11. Review status: criteria provided, single submitter. Criteria: GeneDx Variant Classification Process June 2021. Collection method: clinical testing. Allele origin: germline. Affected: yes.
Comment: Has not been previously published as pathogenic or benign to our knowledge; In silico analysis supports that this missense variant has a deleterious effect on protein structure/function

Genome-Nilou Lab
Classification: Uncertain significance for Tuberous sclerosis 2. Last evaluated: 2021-11-07. Review status: criteria provided, single submitter. Criteria: ACMG Guidelines, 2015. Collection method: clinical testing. Allele origin: germline. Affected: no.

Literature cited by the submitters: PubMed 7581393 (cited by Centre for Medical Genetics,  Mumbai).